The following is an entry in ClinVar:

NM_001571.6(IRF3):c.1280G>C (p.Ser427Thr)

Gene: IRF3 (interferon regulatory factor 3; minus strand). Cytogenetic location: 19q13.33.
Variant type: single nucleotide variant.
Coding change: c.1280G>C on transcript NM_001571.6 (MANE Select); coding-DNA position 1280, G replaced by C.
Protein change: p.Ser427Thr; replaces serine 427 with threonine.
Molecular consequence: missense variant. On other transcripts: non-coding transcript variant (1).
Genome position (GRCh38, 1-based): chr19:49,659,652, C>G on the plus strand (G>C on the coding strand, the complement: IRF3 is on the minus strand). VCF-style: chr19-49659652-C-G. GRCh37 (hg19) VCF-style: chr19-50162909-C-G.
Other names: p.Ser427Thr; c.1296G>C, p.Glu432Asp (NM_001197122.2); c.1175G>C, p.Ser392Thr (NM_001197123.2); c.899G>C, p.Ser300Thr (NM_001197124.2); c.842G>C, p.Ser281Thr (NM_001197125.2, NM_001197126.2); c.461G>C, p.Ser154Thr (NM_001197127.2, NM_001197128.2); short protein forms E432D, S154T, S281T, S300T, S392T, S427T.
Identifiers: ClinVar variation 2688047 (VCV002688047.3), dbSNP rs7251, ClinGen allele CA9580207.

ClinVar aggregate classification (germline): Benign. Review status: criteria provided, multiple submitters, no conflicts (2 of 4 stars). 2 submissions from 2 submitters: Benign (2). Last evaluated 2024-01-24.

Allele frequency attached by ClinVar (database versions not stated): gnomAD 0.43347; 1000 Genomes Project 30x 0.49110; gnomAD exomes 0.34333; 1000 Genomes Project 0.48462; ExAC 0.42943; ESP Exome Variant Server 0.43353; TOPMed 0.45627.

Submissions (2):

Unidad de Genómica Garrahan, Hospital de Pediatría Garrahan
Classification: Benign. Last evaluated: 2024-01-24. Review status: criteria provided, single submitter. Criteria: ACMG Guidelines, 2015. Collection method: clinical testing. Allele origin: germline. Affected: no. Observed: 60 variant alleles.
Comment: This variant is classified as Benign based on local population frequency. This variant was detected in 63% of patients studied by a panel of primary immunodeficiencies. Number of patients: 60. Only high quality variants are reported.

Mayo Clinic Laboratories, Mayo Clinic
Classification: Benign. Last evaluated: 2022-09-06. Review status: criteria provided, single submitter. Criteria: ACMG Guidelines, 2015. Collection method: clinical testing. Allele origin: germline. Observed: 3 variant alleles.